The following is an entry in ClinVar:

NM_014712.3(SETD1A):c.4900G>A (p.Asp1634Asn)

Gene: SETD1A (SET domain containing 1A, histone lysine methyltransferase; plus strand). Cytogenetic location: 16p11.2.
Variant type: single nucleotide variant.
Coding change: c.4900G>A on transcript NM_014712.3 (MANE Select); coding-DNA position 4900, G replaced by A.
Protein change: p.Asp1634Asn; replaces aspartic acid 1634 with asparagine.
Molecular consequence: missense variant.
Genome position (GRCh38, 1-based): chr16:30,983,722, G>A. VCF-style: chr16-30983722-G-A. GRCh37 (hg19) VCF-style: chr16-30995043-G-A.
Other names: short protein forms D1634N.
Identifiers: ClinVar variation 3781229 (VCV003781229.1).

ClinVar aggregate classification (germline): Uncertain significance (1 of 4 stars; one submission).

gnomAD v4.1: 1 of 1,614,110 alleles (0.000062%); no homozygotes.

Submission:

GeneDx
Classification: Uncertain significance. Last evaluated: 2024-10-16. Review status: criteria provided, single submitter. Criteria: GeneDx Variant Classification Process June 2021. Collection method: clinical testing. Allele origin: germline. Affected: yes.
Comment: Not observed at significant frequency in large population cohorts (gnomAD); In silico analysis supports that this missense variant has a deleterious effect on protein structure/function; Has not been previously published as pathogenic or benign to our knowledge